The following is an entry in ClinVar:

NM_000875.5(IGF1R):c.225C>T (p.Phe75=)

Gene: IGF1R (insulin like growth factor 1 receptor; plus strand). Cytogenetic location: 15q26.3.
Variant type: single nucleotide variant.
Coding change: c.225C>T on transcript NM_000875.5 (MANE Select); coding-DNA position 225, C replaced by T.
Protein change: p.Phe75=; no amino-acid change (phenylalanine 75 retained).
Molecular consequence: synonymous variant.
Genome position (GRCh38, 1-based): chr15:98,707,692, C>T. VCF-style: chr15-98707692-C-T. GRCh37 (hg19) VCF-style: chr15-99250921-C-T.
Other names: c.225C>T, p.Phe75= (NM_001291858.2).
Identifiers: ClinVar variation 281171 (VCV000281171.45), dbSNP rs55770488, ClinGen allele CA7751767.

ClinVar aggregate classification (germline): Benign/Likely benign. Review status: criteria provided, multiple submitters, no conflicts (2 of 4 stars). 8 submissions from 8 submitters: Benign (3); Likely benign (5). Last evaluated 2026-05-11.

Conditions:
Growth delay due to insulin-like growth factor I resistance. Also called: IGF-I RESISTANCE; Somatomedin end-organ insensitivity to; Somatomedin-c resistance to; IGF-1 resistance; Insulin-Like Growth Factor I Resistance. Identifiers: Orphanet 73273, MedGen C1849157, MONDO:0010038, OMIM 270450.

Allele frequency attached by ClinVar (database versions not stated): 1000 Genomes Project 0.00140; 1000 Genomes Project 30x 0.00141; gnomAD exomes 0.00278 and 0.00381; ExAC 0.00279; TOPMed 0.00295; gnomAD 0.00299 and 0.00312; ESP Exome Variant Server 0.00316.
gnomAD v4.1: 5,986 of 1,614,178 alleles (0.37%); highest among the groups gnomAD compares: Non-Finnish European, 0.45%; 17 homozygotes.

Submissions (8):

Women's Health and Genetics/Laboratory Corporation of America, LabCorp
Classification: Benign. Last evaluated: 2026-05-11. Review status: criteria provided, single submitter. Criteria: LabCorp Variant Classification Summary - May 2015. Collection method: clinical testing. Allele origin: germline.

CeGaT Center for Human Genetics Tuebingen
Classification: Likely benign. Last evaluated: 2026-03-01. Review status: criteria provided, single submitter. Criteria: CeGaT Center For Human Genetics Tuebingen Variant Classification Criteria Version 2. Collection method: clinical testing. Allele origin: germline. Affected: yes. Observed: 16 variant alleles.
Comment: IGF1R: BP4, BP7, BS2

Labcorp Genetics (formerly Invitae), Labcorp
Classification: Benign. Last evaluated: 2026-01-18. Review status: criteria provided, single submitter. Criteria: Invitae Variant Classification Sherloc (09022015). Collection method: clinical testing. Allele origin: germline.

Blueprint Genetics
Classification: Likely benign. Last evaluated: 2024-11-26. Review status: criteria provided, single submitter. Criteria: ACMG Guidelines, 2015. Collection method: clinical testing. Allele origin: germline.

Fulgent Genetics
Classification: Benign for Growth delay due to insulin-like growth factor I resistance. Last evaluated: 2022-03-11. Review status: criteria provided, single submitter. Criteria: ACMG Guidelines, 2015. Collection method: clinical testing. Allele origin: unknown.

Illumina Laboratory Services, Illumina
Classification: Likely benign for Growth delay due to insulin-like growth factor I resistance. Last evaluated: 2018-01-13. Review status: criteria provided, single submitter. Criteria: ICSL Variant Classification Criteria 13 December 2019. Collection method: clinical testing. Allele origin: germline.
Comment: This variant was observed in the ICSL laboratory as part of a predisposition screen in an ostensibly healthy population. It had not been previously curated by ICSL or reported in the Human Gene Mutation Database (HGMD: prior to June 1st, 2018), and was therefore a candidate for classification through an automated scoring system. Utilizing variant allele frequency, disease prevalence and penetrance estimates, and inheritance mode, an automated score was calculated to assess if this variant is too frequent to cause the disease. Based on the score and internal cut-off values, a variant classified as likely benign is not then subjected to further curation. The score for this variant resulted in a classification of likely benign for this disease.

Eurofins Ntd Llc (ga)
Classification: Likely benign. Last evaluated: 2015-10-13. Review status: criteria provided, single submitter. Criteria: EGL Classification Definitions 2015. Collection method: clinical testing. Allele origin: germline. Observed: 2 variant alleles, 2 heterozygotes.

Breakthrough Genomics
Classification: Likely benign. Review status: criteria provided, single submitter. Criteria: ACMG Guidelines, 2015. Collection method: not provided. Allele origin: germline. Inheritance: Autosomal dominant inheritance. Affected: yes.